The following is an entry in ClinVar:

ClinVar aggregate classification (germline): Uncertain significance. Review status: criteria provided, single submitter (1 of 4 stars). 2 submissions from 2 submitters: Uncertain significance (1). 1 of the submissions does not count toward it. Last evaluated 2022-08-15.

Conditions:
Glycine encephalopathy. Also called: Nonketotic hyperglycinemia; Non-ketotic hyperglycinemia. Identifiers: Orphanet 407, MedGen C0751748, MONDO:0011612, HP:0008288.

Allele frequency attached by ClinVar (database versions not stated): TOPMed 0.00004.
gnomAD v4.1: 13 of 1,611,706 alleles (0.00081%); highest among the groups gnomAD compares: East Asian, 0.029%; no homozygotes.

Submissions (2):

Labcorp Genetics (formerly Invitae), Labcorp
Classification: Uncertain significance for Glycine encephalopathy. Last evaluated: 2022-08-15. Review status: criteria provided, single submitter. Criteria: Invitae Variant Classification Sherloc (09022015). Collection method: clinical testing. Allele origin: germline.
Comment: This sequence change replaces aspartic acid, which is acidic and polar, with glutamic acid, which is acidic and polar, at codon 712 of the GLDC protein (p.Asp712Glu). This variant is present in population databases (rs762761551, gnomAD 0.05%). This variant has not been reported in the literature in individuals affected with GLDC-related conditions. ClinVar contains an entry for this variant (Variation ID: 966857). Advanced modeling of protein sequence and biophysical properties (such as structural, functional, and spatial information, amino acid conservation, physicochemical variation, residue mobility, and thermodynamic stability) performed at Invitae indicates that this missense variant is not expected to disrupt GLDC protein function. Algorithms developed to predict the effect of sequence changes on RNA splicing suggest that this variant may create or strengthen a splice site. In summary, the available evidence is currently insufficient to determine the role of this variant in disease. Therefore, it has been classified as a Variant of Uncertain Significance.

Natera, Inc.
Classification: Uncertain significance for Non-ketotic hyperglycinemia. Last evaluated: 2020-06-08. Review status: no assertion criteria provided. Collection method: clinical testing. Allele origin: germline. Not counted in ClinVar's aggregate classification.

NM_000170.3(GLDC):c.2136C>G (p.Asp712Glu)

Gene: GLDC (glycine decarboxylase; minus strand). Cytogenetic location: 9p24.1.
Variant type: single nucleotide variant.
Coding change: c.2136C>G on transcript NM_000170.3 (MANE Select); coding-DNA position 2136, C replaced by G.
Protein change: p.Asp712Glu; replaces aspartic acid 712 with glutamic acid.
Molecular consequence: missense variant.
Genome position (GRCh38, 1-based): chr9:6,556,219, G>C on the plus strand (C>G on the coding strand, the complement: GLDC is on the minus strand). VCF-style: chr9-6556219-G-C. GRCh37 (hg19) VCF-style: chr9-6556219-G-C.
Other names: short protein forms D712E.
Identifiers: ClinVar variation 966857 (VCV000966857.6), dbSNP rs762761551, ClinGen allele CA4980380.